The following is an entry in ClinVar:

ClinVar aggregate classification (germline): Likely pathogenic (1 of 4 stars; one submission).

Submission:

Labcorp Genetics (formerly Invitae), Labcorp
Classification: Likely pathogenic. Last evaluated: 2023-07-21. Review status: criteria provided, single submitter. Criteria: Invitae Variant Classification Sherloc (09022015). Collection method: clinical testing. Allele origin: germline.
Comment: This variant is not present in population databases (gnomAD no frequency). In summary, the currently available evidence indicates that the variant is pathogenic, but additional data are needed to prove that conclusively. Therefore, this variant has been classified as Likely Pathogenic. Algorithms developed to predict the effect of sequence changes on RNA splicing suggest that this variant may disrupt the consensus splice site. ClinVar contains an entry for this variant (Variation ID: 2116103). This variant has not been reported in the literature in individuals affected with C1S-related conditions. This sequence change affects an acceptor splice site in intron 10 of the C1S gene. It is expected to disrupt RNA splicing. Variants that disrupt the donor or acceptor splice site typically lead to a loss of protein function (PMID: 16199547), and loss-of-function variants in C1S are known to be pathogenic (PMID: 18062908).

Literature cited by the submitters: PubMed 16199547; PubMed 18062908.

NM_001734.5(C1S):c.1196-2A>G

Gene: C1S (complement C1s; plus strand). Cytogenetic location: 12p13.31.
Variant type: single nucleotide variant.
Coding change: c.1196-2A>G on transcript NM_001734.5 (MANE Select); the canonical splice acceptor site of the intron before coding-DNA position 1196, A replaced by G.
Molecular consequence: splice acceptor variant.
Genome position (GRCh38, 1-based): chr12:7,068,454, A>G. VCF-style: chr12-7068454-A-G. GRCh37 (hg19) VCF-style: chr12-7175758-A-G.
Other names: c.1196-2A>G (NM_201442.4); c.695-2A>G (NM_001346850.2).
Identifiers: ClinVar variation 2116103 (VCV002116103.4), dbSNP rs2539604557, ClinGen allele CA383701952.